The following is an entry in ClinVar:

NM_080916.3(DGUOK):c.675A>G (p.Gln225=)

Gene: DGUOK (deoxyguanosine kinase; plus strand). Cytogenetic location: 2p13.1.
Variant type: single nucleotide variant.
Coding change: c.675A>G on transcript NM_080916.3 (MANE Select); coding-DNA position 675, A replaced by G.
Protein change: p.Gln225=; no amino-acid change (glutamine 225 retained).
Molecular consequence: synonymous variant. On other transcripts: non-coding transcript variant (1), intron variant (2).
Genome position (GRCh38, 1-based): chr2:73,957,208, A>G. VCF-style: chr2-73957208-A-G. GRCh37 (hg19) VCF-style: chr2-74184335-A-G.
Other names: p.Gln225=; c.675A>G (NM_080916.2); c.384A>G, p.Gln128= (NM_001318860.2, NM_001318861.2); c.366A>G, p.Gln122= (NM_001318862.2, NM_001318863.2); c.444-938A>G (NM_080918.3); c.426-938A>G (NM_001318859.2).
Identifiers: ClinVar variation 516660 (VCV000516660.7), dbSNP rs368154530, ClinGen allele CA1718321.
Genomic context (GRCh38, chr2:73,957,208, plus strand): 5'-GAGGGCCAGGGAGGAGGAGAAAGGAATTGAGCTGGCCTATCTAGAGCAGCTGCATGGCCA[A>G]CACGAAGCCTGGCTTATTCACAAGACAACGAAGTAAGTGGGGAGAAAAGAATGTATCAGA-3'
Protein context (NP_550438.1, residues 215-235): ELAYLEQLHG[Gln225=]HEAWLIHKTT

ClinVar aggregate classification (germline): Likely benign. Review status: criteria provided, multiple submitters, no conflicts (2 of 4 stars). 4 submissions from 4 submitters: Likely benign (4). Last evaluated 2026-04-20.

Conditions:
DGUOK-related disorder. Also called: DGUOK-related condition.

Allele frequency attached by ClinVar (database versions not stated): gnomAD exomes 0.00002 and 0.00005; TOPMed 0.00002; ExAC 0.00003; gnomAD 0.00003; ESP Exome Variant Server 0.00008.

Submissions (4):

PreventionGenetics, part of Exact Sciences
Classification: Likely benign for DGUOK-related condition. Last evaluated: 2026-04-20. Review status: criteria provided, single submitter. Criteria: ACMG Guidelines, 2015. Collection method: clinical testing. Allele origin: germline.
Comment: This variant is classified as likely benign based on ACMG/AMP sequence variant interpretation guidelines (Richards et al. 2015 PMID: 25741868, with internal and published modifications).

Labcorp Genetics (formerly Invitae), Labcorp
Classification: Likely benign. Last evaluated: 2025-07-02. Review status: criteria provided, single submitter. Criteria: Invitae Variant Classification Sherloc (09022015). Collection method: clinical testing. Allele origin: germline.

Mayo Clinic Laboratories, Mayo Clinic
Classification: Likely benign. Last evaluated: 2025-07-02. Review status: criteria provided, single submitter. Criteria: ACMG Guidelines, 2015. Collection method: clinical testing. Allele origin: germline. Observed: 1 variant allele.
Comment: BP4, BP7

GeneDx
Classification: Likely benign. Last evaluated: 2017-04-04. Review status: criteria provided, single submitter. Criteria: GeneDx Variant Classification (06012015). Collection method: clinical testing. Allele origin: germline. Affected: yes.
Comment: This variant is considered likely benign or benign based on one or more of the following criteria: it is a conservative change, it occurs at a poorly conserved position in the protein, it is predicted to be benign by multiple in silico algorithms, and/or has population frequency not consistent with disease.